The following is an entry in ClinVar:

NM_001378778.1(MPDZ):c.278T>A (p.Phe93Tyr)

Gene: MPDZ (multiple PDZ domain crumbs cell polarity complex component; minus strand). Cytogenetic location: 9p23.
Variant type: single nucleotide variant.
Coding change: c.278T>A on transcript NM_001378778.1 (MANE Select); coding-DNA position 278, T replaced by A.
Protein change: p.Phe93Tyr; replaces phenylalanine 93 with tyrosine.
Molecular consequence: missense variant.
Genome position (GRCh38, 1-based): chr9:13,224,489, A>T on the plus strand (T>A on the coding strand, the complement: MPDZ is on the minus strand). VCF-style: chr9-13224489-A-T. GRCh37 (hg19) VCF-style: chr9-13224488-A-T.
Other names: c.278T>A, p.Phe93Tyr (NM_001261406.2, NM_001261407.2, NM_001330637.2 and 14 more transcripts); short protein forms F93Y.
Identifiers: ClinVar variation 1463599 (VCV001463599.8), dbSNP rs139373441, ClinGen allele CA372948214.

ClinVar aggregate classification (germline): Uncertain significance (1 of 4 stars; one submission).

gnomAD v4.1: 1 of 1,612,810 alleles (0.000062%); highest among the groups gnomAD compares: Non-Finnish European, 0.000085%; no homozygotes.

Submission:

Labcorp Genetics (formerly Invitae), Labcorp
Classification: Uncertain significance. Last evaluated: 2021-06-24. Review status: criteria provided, single submitter. Criteria: Invitae Variant Classification Sherloc (09022015). Collection method: clinical testing. Allele origin: germline.
Comment: In summary, the available evidence is currently insufficient to determine the role of this variant in disease. Therefore, it has been classified as a Variant of Uncertain Significance. Algorithms developed to predict the effect of missense changes on protein structure and function output the following: SIFT: "Tolerated"; PolyPhen-2: "Benign"; Align-GVGD: "Class C0". The tyrosine amino acid residue is found in multiple mammalian species, suggesting that this missense change does not adversely affect protein function. These predictions have not been confirmed by published functional studies and their clinical significance is uncertain. This variant has not been reported in the literature in individuals with MPDZ-related conditions. This variant is not present in population databases (ExAC no frequency). This sequence change replaces phenylalanine with tyrosine at codon 93 of the MPDZ protein (p.Phe93Tyr). The phenylalanine residue is moderately conserved and there is a small physicochemical difference between phenylalanine and tyrosine.